The following is an entry in ClinVar:

NM_015331.3(NCSTN):c.997-5C>T

Gene: NCSTN (nicastrin; plus strand). Cytogenetic location: 1q23.2.
Variant type: single nucleotide variant.
Coding change: c.997-5C>T on transcript NM_015331.3 (MANE Select); 5 bases into the intron before coding-DNA position 997, C replaced by T.
Molecular consequence: intron variant.
Genome position (GRCh38, 1-based): chr1:160,352,882, C>T. VCF-style: chr1-160352882-C-T. GRCh37 (hg19) VCF-style: chr1-160322672-C-T.
Other names: c.937-5C>T (NM_001290184.2); c.997-5C>T (NM_001349729.2); c.583-5C>T (NM_001290186.2).
Identifiers: ClinVar variation 2862153 (VCV002862153.3), dbSNP rs2525535739, ClinGen allele CA2648677535.

ClinVar aggregate classification (germline): Uncertain significance (1 of 4 stars; one submission).

Allele frequency attached by ClinVar (database versions not stated): gnomAD exomes below 0.00001.
gnomAD v4.1: 1 of 1,612,872 alleles (0.000062%); highest among the groups gnomAD compares: Non-Finnish European, 0.000085%; no homozygotes.

Submission:

Labcorp Genetics (formerly Invitae), Labcorp
Classification: Uncertain significance. Last evaluated: 2023-05-05. Review status: criteria provided, single submitter. Criteria: Invitae Variant Classification Sherloc (09022015). Collection method: clinical testing. Allele origin: germline.
Comment: In summary, the available evidence is currently insufficient to determine the role of this variant in disease. Therefore, it has been classified as a Variant of Uncertain Significance. This sequence change falls in intron 8 of the NCSTN gene. It does not directly change the encoded amino acid sequence of the NCSTN protein. This variant is not present in population databases (gnomAD no frequency). This variant has not been reported in the literature in individuals affected with NCSTN-related conditions. Algorithms developed to predict the effect of sequence changes on RNA splicing suggest that this variant may disrupt the consensus splice site.